The following is an entry in ClinVar:

NM_001077653.2(TBX20):c.1310G>A (p.Arg437His)

Gene: TBX20 (T-box transcription factor 20; minus strand). Cytogenetic location: 7p14.2.
Variant type: single nucleotide variant.
Coding change: c.1310G>A on transcript NM_001077653.2 (MANE Select); coding-DNA position 1310, G replaced by A.
Protein change: p.Arg437His; replaces arginine 437 with histidine.
Molecular consequence: missense variant.
Genome position (GRCh38, 1-based): chr7:35,202,464, C>T on the plus strand (G>A on the coding strand, the complement: TBX20 is on the minus strand). VCF-style: chr7-35202464-C-T. GRCh37 (hg19) VCF-style: chr7-35242076-C-T.
Other names: c.1310G>A, p.Arg437His (LRG_755t1); short protein forms R437H.
Identifiers: ClinVar variation 519058 (VCV000519058.22), dbSNP rs375484585, ClinGen allele CA4217317.

ClinVar aggregate classification (germline): Conflicting classifications of pathogenicity. Review status: criteria provided, conflicting classifications (1 of 4 stars). 6 submissions from 6 submitters: Uncertain significance (5); Likely benign (1). Last evaluated 2026-01-11.

Conditions:
Atrial septal defect 4 (ASD4). Identifiers: Orphanet 1478, MedGen C1969657, MONDO:0012654, OMIM 611363.
Cardiovascular phenotype. Identifiers: MedGen CN230736.

Allele frequency attached by ClinVar (database versions not stated): gnomAD 0.00014; TOPMed 0.00015; ESP Exome Variant Server 0.00017.
gnomAD v4.1: 432 of 1,600,790 alleles (0.027%); highest among the groups gnomAD compares: Non-Finnish European, 0.033%; no homozygotes.

Submissions (6):

Labcorp Genetics (formerly Invitae), Labcorp
Classification: Uncertain significance. Last evaluated: 2026-01-11. Review status: criteria provided, single submitter. Criteria: Invitae Variant Classification Sherloc (09022015). Collection method: clinical testing. Allele origin: germline.
Comment: This sequence change replaces arginine, which is basic and polar, with histidine, which is basic and polar, at codon 437 of the TBX20 protein (p.Arg437His). This variant is present in population databases (rs375484585, gnomAD 0.02%). This variant has not been reported in the literature in individuals affected with TBX20-related conditions. ClinVar contains an entry for this variant (Variation ID: 519058). An algorithm developed to predict the effect of missense changes on protein structure and function (PolyPhen-2) suggests that this variant is likely to be disruptive. In summary, the available evidence is currently insufficient to determine the role of this variant in disease. Therefore, it has been classified as a Variant of Uncertain Significance.

GeneDx
Classification: Uncertain significance. Last evaluated: 2026-01-08. Review status: criteria provided, single submitter. Criteria: GeneDx Variant Classification Process June 2021. Collection method: clinical testing. Allele origin: germline. Affected: yes.
Comment: Has been reported in an individual with left ventricular compaction defect (PMID: 29089047); Identified in a significant number of both DCM affected individuals and ethnically-matched controls in published literature (PMID: 19074289); In silico analysis suggests that this missense variant does not alter protein structure/function; This variant is associated with the following publications: (PMID: 19074289, 29089047)

Ambry Genetics
Classification: Uncertain significance for Cardiovascular phenotype. Last evaluated: 2025-11-24. Review status: criteria provided, single submitter. Criteria: Ambry Variant Classification Scheme 2023. Collection method: clinical testing. Allele origin: germline.
Comment: The p.R437H variant (also known as c.1310G>A), located in coding exon 8 of the TBX20 gene, results from a G to A substitution at nucleotide position 1310. The arginine at codon 437 is replaced by histidine, an amino acid with highly similar properties. In a study including patient cohorts with dilated cardiomyopathy (DCM) or congenital heart defects, this amino acid variant was reported in numerous patients in each cohort in addition to over 100 control subjects (Qian L et al. Proc Natl Acad Sci U.S.A. 2008;105(50):19833-8). This alteration has also been identified in a cohort of individuals undergoing whole exome sequencing for diverse clinical indications (Li AH et al. Genome Med, 2017 10;9:95). This amino acid position is highly conserved in available vertebrate species. In addition, this alteration is predicted to be deleterious by in silico analysis. Since supporting evidence is limited at this time, the clinical significance of this alteration remains unclear.

Blueprint Genetics
Classification: Likely benign. Last evaluated: 2023-09-22. Review status: criteria provided, single submitter. Criteria: ACMG Guidelines, 2015. Collection method: clinical testing. Allele origin: germline.

Fulgent Genetics
Classification: Uncertain significance for Atrial septal defect 4. Last evaluated: 2021-08-09. Review status: criteria provided, single submitter. Criteria: ACMG Guidelines, 2015. Collection method: clinical testing. Allele origin: unknown.

Department of Pathology and Laboratory Medicine, Sinai Health System
Classification: Uncertain significance for Atrial septal defect 4. Last evaluated: 2021-07-30. Review status: criteria provided, single submitter. Criteria: ACMG Guidelines, 2015. Collection method: research. Allele origin: germline.

Literature cited by the submitters: PubMed 19074289 (cited by Ambry Genetics); PubMed 29089047 (cited by Ambry Genetics).